The following is an entry in ClinVar:

ClinVar aggregate classification (germline): Uncertain significance. Review status: criteria provided, multiple submitters, no conflicts (2 of 4 stars). 2 submissions from 2 submitters: Uncertain significance (2). Last evaluated 2026-07-06.

Conditions:
Microcephaly, normal intelligence and immunodeficiency (NBS). Also called: Nijmegen breakage syndrome; Microcephaly with normal intelligence immunodeficiency and lymphoreticular malignancies; Nonsyndromal microcephaly autosomal recessive with normal intelligence; Seemanova syndrome 2; Immunodeficiency, microcephaly with normal intelligence; Ataxia telangiectasia variant V1. Identifiers: Orphanet 647, MedGen C0398791, MONDO:0009623, OMIM 251260.
Hereditary cancer-predisposing syndrome. Also called: Hereditary Cancer Syndrome; Hereditary neoplastic syndrome; Neoplastic Syndromes, Hereditary; Tumor predisposition. Identifiers: Orphanet 140162, MedGen C0027672, MeSH D009386, MONDO:0015356.

Allele frequency attached by ClinVar (database versions not stated): gnomAD exomes below 0.00001.
gnomAD v4.1: 1 of 1,583,284 alleles (0.000063%); highest among the groups gnomAD compares: Non-Finnish European, 0.000086%; no homozygotes.

Submissions (2):

Ambry Genetics
Classification: Uncertain significance for Hereditary cancer-predisposing syndrome. Last evaluated: 2026-07-06. Review status: criteria provided, single submitter. Criteria: Ambry Variant Classification Scheme 2023. Collection method: clinical testing. Allele origin: germline.
Comment: The p.L631P variant (also known as c.1892T>C), located in coding exon 12 of the NBN gene, results from a T to C substitution at nucleotide position 1892. The leucine at codon 631 is replaced by proline, an amino acid with similar properties. This amino acid position is conserved. In addition, this alteration is predicted to be tolerated by in silico analysis. Based on the available evidence, the clinical significance of this variant remains unclear.

Labcorp Genetics (formerly Invitae), Labcorp
Classification: Uncertain significance for Microcephaly, normal intelligence and immunodeficiency. Last evaluated: 2023-04-26. Review status: criteria provided, single submitter. Criteria: Invitae Variant Classification Sherloc (09022015). Collection method: clinical testing. Allele origin: germline.
Comment: This sequence change replaces leucine, which is neutral and non-polar, with proline, which is neutral and non-polar, at codon 631 of the NBN protein (p.Leu631Pro). This variant is not present in population databases (gnomAD no frequency). This variant has not been reported in the literature in individuals affected with NBN-related conditions. An algorithm developed to predict the effect of missense changes on protein structure and function (PolyPhen-2) suggests that this variant is likely to be tolerated. In summary, the available evidence is currently insufficient to determine the role of this variant in disease. Therefore, it has been classified as a Variant of Uncertain Significance.

NM_002485.5(NBN):c.1892T>C (p.Leu631Pro)

Genes: NBN (nibrin; minus strand), LOC126860438 (MED14-independent group 3 enhancer GRCh37_chr8:90959982-90961181; plus strand). Cytogenetic location: 8q21.3.
Variant type: single nucleotide variant.
Coding change: c.1892T>C on transcript NM_002485.5 (MANE Select); coding-DNA position 1892, T replaced by C.
Protein change: p.Leu631Pro; replaces leucine 631 with proline.
Molecular consequence: missense variant.
Genome position (GRCh38, 1-based): chr8:89,947,846, A>G on the plus strand (T>C on the coding strand, the complement: NBN is on the minus strand). VCF-style: chr8-89947846-A-G. GRCh37 (hg19) VCF-style: chr8-90960074-A-G.
Other names: c.1646T>C, p.Leu549Pro (NM_001024688.3); short protein forms L631P, L549P.
Identifiers: ClinVar variation 2970908 (VCV002970908.4), dbSNP rs2488209399, ClinGen allele CA371677227.